The following is an entry in ClinVar:

NM_015559.3(SETBP1):c.3388C>A (p.Pro1130Thr)

Gene: SETBP1 (SET binding protein 1; plus strand). Cytogenetic location: 18q12.3.
Variant type: single nucleotide variant.
Coding change: c.3388C>A on transcript NM_015559.3 (MANE Select); coding-DNA position 3388, C replaced by A.
Protein change: p.Pro1130Thr; replaces proline 1130 with threonine.
Molecular consequence: missense variant.
Genome position (GRCh38, 1-based): chr18:44,952,728, C>A. VCF-style: chr18-44952728-C-A. GRCh37 (hg19) VCF-style: chr18-42532693-C-A.
Other names: NM_015559.2(SETBP1):c.3388C>A(p.Pro1130Thr); c.3388C>A, p.Pro1130Thr (LRG_1150t1); short protein forms P1130T.
Identifiers: ClinVar variation 159873 (VCV000159873.20), dbSNP rs1064204, ClinGen allele CA173394.

ClinVar aggregate classification (germline): Benign. Review status: criteria provided, multiple submitters, no conflicts (2 of 4 stars). 9 submissions from 9 submitters: Benign (9). Last evaluated 2026-02-03.

Conditions:
Schinzel-Giedion syndrome (SGS). Identifiers: Orphanet 798, MedGen C0265227, MONDO:0010010, OMIM 269150.

Allele frequency attached by ClinVar (database versions not stated): gnomAD 0.09043; ESP Exome Variant Server 0.09549; TOPMed 0.11300; 1000 Genomes Project 0.11861; 1000 Genomes Project 30x 0.11946.
gnomAD v4.1: 189,866 of 1,613,980 alleles (12%); highest among the groups gnomAD compares: Admixed American, 28%; 12,930 homozygotes.

Submissions (9):

Labcorp Genetics (formerly Invitae), Labcorp
Classification: Benign. Last evaluated: 2026-02-03. Review status: criteria provided, single submitter. Criteria: Invitae Variant Classification Sherloc (09022015). Collection method: clinical testing. Allele origin: germline.

Unidad de Genómica Garrahan, Hospital de Pediatría Garrahan
Classification: Benign. Last evaluated: 2024-07-15. Review status: criteria provided, single submitter. Criteria: ACMG Guidelines, 2015. Collection method: clinical testing. Allele origin: germline. Affected: no. Observed: 43 variant alleles.
Comment: This variant is classified as Benign based on local population frequency. This variant was detected in 46% of patients studied in a panel designed for Epileptic and Developmental Encephalopathy and Progressive Myoclonus Epilepsy. Number of patients: 43. Only high quality variants are reported.

KCCC/NGS Laboratory, Kuwait Cancer Control Center
Classification: Benign for Schinzel-Giedion syndrome. Last evaluated: 2023-07-07. Review status: criteria provided, single submitter. Criteria: ACMG Guidelines, 2015. Collection method: clinical testing. Allele origin: germline. Affected: yes.

Mayo Clinic Laboratories, Mayo Clinic
Classification: Benign. Last evaluated: 2018-08-07. Review status: criteria provided, single submitter. Criteria: ACMG Guidelines, 2015. Collection method: clinical testing. Allele origin: germline. Observed: 143 variant alleles.

GeneDx
Classification: Benign. Last evaluated: 2018-07-27. Review status: criteria provided, single submitter. Criteria: GeneDx Variant Classification Process June 2021. Collection method: clinical testing. Allele origin: germline. Affected: yes.

SIB Swiss Institute of Bioinformatics
Classification: Benign. Last evaluated: 2018-05-31. Review status: criteria provided, single submitter. Criteria: ACMG Guidelines, 2015. Collection method: curation. Allele origin: unknown.
Comment: This variant is interpreted as a Benign - Stand Alone. The following ACMG Tag(s) were applied: BA1 => Allele frequency is >5% in Exome Sequencing Project, 1000 Genomes Project, or Exome Aggregation Consortium.

Athena Diagnostics
Classification: Benign. Last evaluated: 2018-05-07. Review status: criteria provided, single submitter. Criteria: Athena Diagnostics Criteria. Collection method: clinical testing. Allele origin: germline.

Genetic Services Laboratory, University of Chicago
Classification: Benign. Last evaluated: 2013-02-08. Review status: criteria provided, single submitter. Criteria: ACMG Guidelines, 2007. Collection method: clinical testing. Allele origin: germline. Inheritance: Autosomal dominant inheritance.

Breakthrough Genomics
Classification: Benign. Review status: criteria provided, single submitter. Criteria: ACMG Guidelines, 2015. Collection method: not provided. Allele origin: germline. Inheritance: Autosomal dominant inheritance. Affected: yes.